The following is an entry in ClinVar:

NM_004319.3(ASTN1):c.2770C>T (p.His924Tyr)

Gene: ASTN1 (astrotactin 1; minus strand). Cytogenetic location: 1q25.2.
Variant type: single nucleotide variant.
Coding change: c.2770C>T on transcript NM_004319.3 (MANE Select); coding-DNA position 2770, C replaced by T.
Protein change: p.His924Tyr; replaces histidine 924 with tyrosine.
Molecular consequence: missense variant.
Genome position (GRCh38, 1-based): chr1:176,894,732, G>A on the plus strand (C>T on the coding strand, the complement: ASTN1 is on the minus strand). VCF-style: chr1-176894732-G-A. GRCh37 (hg19) VCF-style: chr1-176863868-G-A.
Other names: c.2770C>T, p.His924Tyr (NM_001286164.2, NM_207108.3); c.2794C>T, p.His932Tyr (NM_001364856.2); short protein forms H924Y, H932Y.
Identifiers: ClinVar variation 438601 (VCV000438601.1), dbSNP rs759502995, ClinGen allele CA1258765.

ClinVar aggregate classification (germline): Uncertain significance (1 of 4 stars; one submission).

Conditions:
Abnormal corpus callosum morphology. Also called: Abnormality of the corpus callosum; Corpus callosum abnormalities. Identifiers: MedGen C1842581, HP:0001273.

Allele frequency attached by ClinVar (database versions not stated): ExAC 0.00001; gnomAD exomes 0.00002.
gnomAD v4.1: 25 of 1,614,144 alleles (0.0015%); highest among the groups gnomAD compares: Non-Finnish European, 0.002%; no homozygotes.

Submission:

Lupski Lab, Baylor-Hopkins CMG, Baylor College of Medicine
Classification: Uncertain significance for Abnormal corpus callosum morphology. Last evaluated: 2017-09-01. Review status: criteria provided, single submitter. Criteria: Wiszniewski et al. (Eur J Hum Genet. 2018). Collection method: research. Allele origin: inherited, unknown. Inheritance: Autosomal recessive inheritance. Affected: yes and no. Observed: 2 variant alleles.